The following is an entry in ClinVar:

NM_003036.4(SKI):c.1866G>C (p.Glu622Asp)

Gene: SKI (SKI proto-oncogene; plus strand). Cytogenetic location: 1p36.32.
Variant type: single nucleotide variant.
Coding change: c.1866G>C on transcript NM_003036.4 (MANE Select); coding-DNA position 1866, G replaced by C.
Protein change: p.Glu622Asp; replaces glutamic acid 622 with aspartic acid.
Molecular consequence: missense variant.
Genome position (GRCh38, 1-based): chr1:2,306,118, G>C. VCF-style: chr1-2306118-G-C. GRCh37 (hg19) VCF-style: chr1-2237557-G-C.
Other names: c.1866G>C (NM_003036.3); short protein forms E622D.
Identifiers: ClinVar variation 1932726 (VCV001932726.7), dbSNP rs748886393, ClinGen allele CA536824.

ClinVar aggregate classification (germline): Uncertain significance. Review status: criteria provided, multiple submitters, no conflicts (2 of 4 stars). 2 submissions from 2 submitters: Uncertain significance (2). Last evaluated 2024-12-17.

Conditions:
Familial thoracic aortic aneurysm and aortic dissection (TAAD). Also called: Thoracic aortic aneurysms and dissections. Identifiers: Orphanet 91387, MedGen C4707243, MONDO:0019625.
Shprintzen-Goldberg syndrome (SGS). Also called: SHPRINTZEN-GOLDBERG CRANIOSYNOSTOSIS SYNDROME; CRANIOSYNOSTOSIS WITH ARACHNODACTYLY AND ABDOMINAL HERNIAS; Marfanoid disorder with craniosynostosis type 1; Marfanoid craniosynostosis syndrome; Shprintzen-Goldberg marfanoid syndrome. Identifiers: Orphanet 2462, MedGen C1321551, MONDO:0008426, OMIM 182212.

gnomAD v4.1: 4 of 1,598,332 alleles (0.00025%); highest among the groups gnomAD compares: African/African-American, 0.0013%; no homozygotes.

Submissions (2):

Labcorp Genetics (formerly Invitae), Labcorp
Classification: Uncertain significance for Shprintzen-Goldberg syndrome. Last evaluated: 2024-12-17. Review status: criteria provided, single submitter. Criteria: Invitae Variant Classification Sherloc (09022015). Collection method: clinical testing. Allele origin: germline.
Comment: This sequence change replaces glutamic acid, which is acidic and polar, with aspartic acid, which is acidic and polar, at codon 622 of the SKI protein (p.Glu622Asp). This variant is present in population databases (rs748886393, gnomAD 0.001%). This variant has not been reported in the literature in individuals affected with SKI-related conditions. ClinVar contains an entry for this variant (Variation ID: 1932726). Invitae Evidence Modeling of protein sequence and biophysical properties (such as structural, functional, and spatial information, amino acid conservation, physicochemical variation, residue mobility, and thermodynamic stability) indicates that this missense variant is not expected to disrupt SKI protein function with a negative predictive value of 95%. In summary, the available evidence is currently insufficient to determine the role of this variant in disease. Therefore, it has been classified as a Variant of Uncertain Significance.

Ambry Genetics
Classification: Uncertain significance for Familial thoracic aortic aneurysm and aortic dissection. Last evaluated: 2023-09-08. Review status: criteria provided, single submitter. Criteria: Ambry Variant Classification Scheme 2023. Collection method: clinical testing. Allele origin: germline.
Comment: The p.E622D variant (also known as c.1866G>C), located in coding exon 6 of the SKI gene, results from a G to C substitution at nucleotide position 1866. The glutamic acid at codon 622 is replaced by aspartic acid, an amino acid with highly similar properties. This amino acid position is conserved. In addition, the in silico prediction for this alteration is inconclusive. Since supporting evidence is limited at this time, the clinical significance of this alteration remains unclear.